The following is an entry in ClinVar:

NM_052859.4(RFT1):c.*799T>A

Gene: RFT1 (RFT1 glycolipid translocator homolog; minus strand). Cytogenetic location: 3p21.1.
Variant type: single nucleotide variant.
Coding change: c.*799T>A on transcript NM_052859.4 (MANE Select); 799 bases downstream of the stop codon, T replaced by A.
Molecular consequence: 3 prime UTR variant.
Genome position (GRCh38, 1-based): chr3:53,091,104, A>T on the plus strand (T>A on the coding strand, the complement: RFT1 is on the minus strand). VCF-style: chr3-53091104-A-T. GRCh37 (hg19) VCF-style: chr3-53125120-A-T.
Identifiers: ClinVar variation 346170 (VCV000346170.5), dbSNP rs148552528, ClinGen allele CA10616428.

ClinVar aggregate classification (germline): Likely benign (1 of 4 stars; one submission).

Conditions:
RFT1-congenital disorder of glycosylation (CDG1N). Also called: Congenital disorder of glycosylation type In; CDG In; RFT1-CDG. Identifiers: Orphanet 244310, MedGen C2677590, MONDO:0012783, OMIM 612015.

Allele frequency attached by ClinVar (database versions not stated): 1000 Genomes Project 0.00739; 1000 Genomes Project 30x 0.00781; gnomAD 0.00812 and 0.00885; TOPMed 0.00944.

Submission:

Illumina Laboratory Services, Illumina
Classification: Likely benign for RFT1-congenital disorder of glycosylation. Last evaluated: 2018-01-12. Review status: criteria provided, single submitter. Criteria: ICSL Variant Classification Criteria 13 December 2019. Collection method: clinical testing. Allele origin: germline.
Comment: This variant was observed in the ICSL laboratory as part of a predisposition screen in an ostensibly healthy population. It had not been previously curated by ICSL or reported in the Human Gene Mutation Database (HGMD: prior to June 1st, 2018), and was therefore a candidate for classification through an automated scoring system. Utilizing variant allele frequency, disease prevalence and penetrance estimates, and inheritance mode, an automated score was calculated to assess if this variant is too frequent to cause the disease. Based on the score and internal cut-off values, a variant classified as likely benign is not then subjected to further curation. The score for this variant resulted in a classification of likely benign for this disease.